The following is an entry in ClinVar:

ClinVar aggregate classification (germline): Uncertain significance (1 of 4 stars; one submission).

Conditions:
Mosaic variegated aneuploidy syndrome 1 (MVA1). Also called: Warburton-Anyane-Yeboa syndrome. Identifiers: Orphanet 1052, MedGen C1850343, MONDO:0009759, OMIM 257300.

Allele frequency attached by ClinVar (database versions not stated): gnomAD exomes below 0.00001; ExAC 0.00001.
gnomAD v4.1: 1 of 1,611,012 alleles (0.000062%); highest among the groups gnomAD compares: East Asian, 0.0022%; no homozygotes.

Submission:

Labcorp Genetics (formerly Invitae), Labcorp
Classification: Uncertain significance for Mosaic variegated aneuploidy syndrome 1. Last evaluated: 2019-10-02. Review status: criteria provided, single submitter. Criteria: Invitae Variant Classification Sherloc (09022015). Collection method: clinical testing. Allele origin: germline.
Comment: This sequence change affects codon 714 of the BUB1B mRNA. It is a 'silent' change, meaning that it does not change the encoded amino acid sequence of the BUB1B protein. This variant is present in population databases (rs778939108, ExAC 0.01%). This variant has not been reported in the literature in individuals with BUB1B-related conditions. Algorithms developed to predict the effect of sequence changes on RNA splicing suggest that this variant may disrupt the consensus splice site, but this prediction has not been confirmed by published transcriptional studies. In summary, the available evidence is currently insufficient to determine the role of this variant in disease. Therefore, it has been classified as a Variant of Uncertain Significance.

NM_001211.6(BUB1B):c.2142A>G (p.Ser714=)

Gene: BUB1B (BUB1 mitotic checkpoint serine/threonine kinase B; plus strand). Cytogenetic location: 15q15.1.
Variant type: single nucleotide variant.
Coding change: c.2142A>G on transcript NM_001211.6 (MANE Select); coding-DNA position 2142, A replaced by G.
Protein change: p.Ser714=; no amino-acid change (serine 714 retained).
Molecular consequence: synonymous variant.
Genome position (GRCh38, 1-based): chr15:40,208,769, A>G. VCF-style: chr15-40208769-A-G. GRCh37 (hg19) VCF-style: chr15-40500970-A-G.
Identifiers: ClinVar variation 966918 (VCV000966918.11), dbSNP rs778939108, ClinGen allele CA7475956.
Genomic context (GRCh38, chr15:40,208,769, plus strand): 5'-CACCTCCTCCATCAAATGTCTTCAAATTCCTGAGAAACTAGAACTTACTAATGAGACTTC[A>G]GGTAGGATATACATACCACTATATCCATGCCTAGTGAACACTTGTTTATCTCAGCAAACT-3'
Protein context (NP_001202.5, residues 704-724): PEKLELTNET[Ser714=]ENPTQSPWCS